The following is an entry in ClinVar:

NM_020435.4(GJC2):c.84C>A (p.Leu28=)

Gene: GJC2 (gap junction protein gamma 2; plus strand). Cytogenetic location: 1q42.13.
Variant type: single nucleotide variant.
Coding change: c.84C>A on transcript NM_020435.4 (MANE Select); coding-DNA position 84, C replaced by A.
Protein change: p.Leu28=; no amino-acid change (leucine 28 retained).
Molecular consequence: synonymous variant.
Genome position (GRCh38, 1-based): chr1:228,157,842, C>A. VCF-style: chr1-228157842-C-A. GRCh37 (hg19) VCF-style: chr1-228345543-C-A.
Identifiers: ClinVar variation 1564531 (VCV001564531.18), dbSNP rs747205319, ClinGen allele CA1430795.

ClinVar aggregate classification (germline): Benign/Likely benign. Review status: criteria provided, multiple submitters, no conflicts (2 of 4 stars). 4 submissions from 4 submitters: Benign (1); Likely benign (3). Last evaluated 2026-01-01.

Conditions:
Spastic paraplegia. Identifiers: MedGen C0037772, HP:0001258.

Allele frequency attached by ClinVar (database versions not stated): ExAC 0.00003; gnomAD exomes 0.00003 and 0.00004; TOPMed 0.00003; gnomAD 0.00005.

Submissions (4):

CeGaT Center for Human Genetics Tuebingen
Classification: Likely benign. Last evaluated: 2026-01-01. Review status: criteria provided, single submitter. Criteria: CeGaT Center For Human Genetics Tuebingen Variant Classification Criteria Version 2. Collection method: clinical testing. Allele origin: germline. Affected: yes. Observed: 2 variant alleles.
Comment: GJC2: BP4, BP7

Labcorp Genetics (formerly Invitae), Labcorp
Classification: Likely benign for Spastic paraplegia. Last evaluated: 2025-10-02. Review status: criteria provided, single submitter. Criteria: Invitae Variant Classification Sherloc (09022015). Collection method: clinical testing. Allele origin: germline.

Laboratory of Genetics, Children's Clinical University Hospital Latvia
Classification: Benign. Last evaluated: 2025-02-16. Review status: criteria provided, single submitter. Criteria: ACMG Guidelines, 2015. Collection method: clinical testing. Allele origin: germline. Affected: yes.

Blueprint Genetics
Classification: Likely benign. Last evaluated: 2024-11-08. Review status: criteria provided, single submitter. Criteria: ACMG Guidelines, 2015. Collection method: clinical testing. Allele origin: germline.